The following is an entry in ClinVar:

NM_000059.4(BRCA2):c.3417G>A (p.Lys1139=)

Gene: BRCA2 (BRCA2 DNA repair associated; plus strand). Cytogenetic location: 13q13.1.
Variant type: single nucleotide variant.
Coding change: c.3417G>A on transcript NM_000059.4 (MANE Select); coding-DNA position 3417, G replaced by A.
Protein change: p.Lys1139=; no amino-acid change (lysine 1139 retained).
Molecular consequence: synonymous variant.
Genome position (GRCh38, 1-based): chr13:32,337,772, G>A. VCF-style: chr13-32337772-G-A. GRCh37 (hg19) VCF-style: chr13-32911909-G-A.
Other names: p.K1139K:AAG>AAA.
Identifiers: ClinVar variation 135796 (VCV000135796.58), dbSNP rs145625991, ClinGen allele CA017974.

ClinVar aggregate classification (germline): Likely benign. Review status: reviewed by expert panel (3 of 4 stars). 16 submissions from 16 submitters: Likely benign (1). 15 of the submissions do not count toward it. Last evaluated 2017-06-29.

Conditions:
BRCA2-related disorder. Also called: BRCA2-related condition; BRCA2-related disorders. Identifiers: MedGen CN239275.
Hereditary cancer-predisposing syndrome. Also called: Neoplastic Syndromes, Hereditary; Tumor predisposition; Hereditary neoplastic syndrome; Hereditary Cancer Syndrome. Identifiers: Orphanet 140162, MedGen C0027672, MeSH D009386, MONDO:0015356.
Hereditary breast ovarian cancer syndrome. Also called: Breast and ovarian cancer; BRCA1- and BRCA2-Associated Hereditary Breast and Ovarian Cancer; Hereditary breast and/or ovarian cancer syndrome; Hereditary breast and ovarian cancer syndrome; Hereditary breast and ovarian cancer; Hereditary breast and ovarian cancer syndrome (HBOC). Identifiers: Orphanet 145, MedGen C0677776, MeSH D061325, MONDO:0003582. Disease mechanism: loss of function.
Breast-ovarian cancer, familial, susceptibility to, 2 (BROVCA2). Also called: BRCA2 Hereditary Breast and Ovarian Cancer. Identifiers: Orphanet 145, MedGen C2675520, MONDO:0012933, OMIM 612555. Disease mechanism: loss of function.
Malignant tumor of breast. Also called: Malignant breast neoplasm; Cancer breast. Identifiers: MedGen C0006142, MONDO:0007254. Disease mechanism: loss of function.

Allele frequency attached by ClinVar (database versions not stated): ESP Exome Variant Server 0.00008; TOPMed 0.00009; ExAC 0.00011; gnomAD exomes 0.00016.
gnomAD v4.1: 162 of 1,613,842 alleles (0.01%); highest among the groups gnomAD compares: Non-Finnish European, 0.0026%; no homozygotes.

Submissions (16):

Evidence-based Network for the Interpretation of Germline Mutant Alleles (ENIGMA)
Classification: Likely benign for Breast-ovarian cancer, familial, susceptibility to, 2. Last evaluated: 2017-06-29. Review status: reviewed by expert panel. Criteria: ENIGMA BRCA1/2 Classification Criteria (2017-06-29). Collection method: curation. Allele origin: germline.
Comment: Synonymous substitution variant, with low bioinformatic likelihood to result in a splicing aberration (Splicing prior probability 0.02).

CeGaT Center for Human Genetics Tuebingen
Classification: Likely benign. Last evaluated: 2026-07-01. Review status: criteria provided, single submitter. Criteria: CeGaT Center For Human Genetics Tuebingen Variant Classification Criteria Version 2. Collection method: clinical testing. Allele origin: germline. Affected: yes. Observed: 9 variant alleles. Not counted in ClinVar's aggregate classification.
Comment: BRCA2: BP4, BP7

Labcorp Genetics (formerly Invitae), Labcorp
Classification: Benign for Hereditary breast ovarian cancer syndrome. Last evaluated: 2026-02-03. Review status: criteria provided, single submitter. Criteria: Invitae Variant Classification Sherloc (09022015). Collection method: clinical testing. Allele origin: germline. Not counted in ClinVar's aggregate classification.

Center for Genomic Medicine, Rigshospitalet, Copenhagen University Hospital
Classification: Likely benign. Last evaluated: 2025-03-04. Review status: criteria provided, single submitter. Criteria: ACMG Guidelines, 2015. Collection method: clinical testing. Allele origin: germline. Not counted in ClinVar's aggregate classification.

Blueprint Genetics
Classification: Likely benign. Last evaluated: 2024-09-24. Review status: criteria provided, single submitter. Criteria: ACMG Guidelines, 2015. Collection method: clinical testing. Allele origin: germline. Not counted in ClinVar's aggregate classification.

All of Us Research Program, National Institutes of Health
Classification: Likely benign for Breast-ovarian cancer, familial, susceptibility to, 2. Last evaluated: 2024-02-05. Review status: criteria provided, single submitter. Criteria: ACMG Guidelines, 2015. Collection method: clinical testing. Allele origin: germline. Inheritance: Autosomal dominant inheritance. Observed: 54 variant alleles, 54 heterozygotes. Not counted in ClinVar's aggregate classification.
Comment: This study involves interpretation of variants in research participants for the purpose of population health screening. Participant phenotype was not available at the time of variant classification. Additional details can be found in publication PMID: 35346344, PMCID: PMC8962531

Institute for Biomarker Research, Medical Diagnostic Laboratories, L.L.C.
Classification: Likely benign for Hereditary breast ovarian cancer syndrome. Last evaluated: 2022-12-23. Review status: criteria provided, single submitter. Criteria: ACMG Guidelines, 2015. Collection method: clinical testing. Allele origin: germline. Not counted in ClinVar's aggregate classification.

Sema4
Classification: Likely benign for Hereditary cancer-predisposing syndrome. Last evaluated: 2021-02-01. Review status: criteria provided, single submitter. Criteria: Sema4 Curation Guidelines. Collection method: curation. Allele origin: germline. Not counted in ClinVar's aggregate classification.

ARUP Laboratories, Molecular Genetics and Genomics, ARUP Laboratories
Classification: Benign. Last evaluated: 2020-10-05. Review status: criteria provided, single submitter. Criteria: ARUP Molecular Germline Variant Investigation Process 2021. Collection method: clinical testing. Allele origin: germline. Not counted in ClinVar's aggregate classification.

Women's Health and Genetics/Laboratory Corporation of America, LabCorp
Classification: Likely benign. Last evaluated: 2019-11-27. Review status: criteria provided, single submitter. Criteria: LabCorp Variant Classification Summary - May 2015. Collection method: clinical testing. Allele origin: germline. Not counted in ClinVar's aggregate classification.

Color Diagnostics, LLC DBA Color Health
Classification: Likely benign for Hereditary cancer-predisposing syndrome. Last evaluated: 2015-10-01. Review status: criteria provided, single submitter. Criteria: ACMG Guidelines, 2015. Collection method: clinical testing. Allele origin: germline. Not counted in ClinVar's aggregate classification.

Ambry Genetics
Classification: Likely benign for Hereditary cancer-predisposing syndrome. Last evaluated: 2014-07-14. Review status: criteria provided, single submitter. Criteria: Ambry Variant Classification Scheme 2023. Collection method: clinical testing. Allele origin: germline. Not counted in ClinVar's aggregate classification.

GeneDx
Classification: Benign. Last evaluated: 2014-02-07. Review status: criteria provided, single submitter. Criteria: GeneDx Variant Classification (06012015). Collection method: clinical testing. Allele origin: germline. Affected: yes. Not counted in ClinVar's aggregate classification.
Comment: This variant is considered likely benign or benign based on one or more of the following criteria: it is a conservative change, it occurs at a poorly conserved position in the protein, it is predicted to be benign by multiple in silico algorithms, and/or has population frequency not consistent with disease.

Breakthrough Genomics
Classification: Likely benign. Review status: criteria provided, single submitter. Criteria: ACMG Guidelines, 2015. Collection method: not provided. Allele origin: germline. Inheritance: Autosomal recessive inheritance. Affected: yes. Not counted in ClinVar's aggregate classification.

PreventionGenetics, part of Exact Sciences
Classification: Likely benign for BRCA2-related condition. Last evaluated: 2019-03-18. Review status: no assertion criteria provided. Collection method: clinical testing. Allele origin: germline. Not counted in ClinVar's aggregate classification.
Comment: This variant is classified as likely benign based on ACMG/AMP sequence variant interpretation guidelines (Richards et al. 2015 PMID: 25741868, with internal and published modifications).

Department of Pathology and Laboratory Medicine, Sinai Health System
Classification: Likely benign for Malignant tumor of breast. Review status: no assertion criteria provided. Collection method: clinical testing. Allele origin: unknown. Affected: yes. Observed: 5 variant alleles. Study: The Canadian Open Genetics Repository (COGR). Not counted in ClinVar's aggregate classification.
Comment: The BRCA2 p.Lys1139= variant was identified in 1 of 4206 proband chromosomes (frequency: 0.0002) from individuals or families with breast cancer (Borg_2010_20104584). The variant was also identified in dbSNP (ID: rs145625991) â€šÃ„ÃºWith Uncertain significance, other alleleâ€šÃ„Ã¹, ClinVar (classified likely benign, reviewed by an expert panel (2017); submitters: benign by ARUP, Invitae, GeneDx, and likely benign by ENIGMA and Ambry Genetics), Clinvitae (4x), LOVD 3.0 (1x), and UMD-LSDB (7x as 3-UV), and was not identified in GeneInsight-COGR, Cosmic, MutDB, BIC Database, ARUP Laboratories, and Zhejiang Colon Cancer Database. The variant was identified in control databases in 36 of 245756 chromosomes at a frequency of 0.0001 increasing the likelihood this could be a low frequency benign variant (Genome Aggregation Database Feb 27, 2017). Breakdown of the observations by population include Other in 1 of 5472 chromosomes (freq: 0.0002) and Ashkenazi Jewish in 35 of 9842 chromosomes (freq: 0.004), while not observed in the African, Latino, European Non-Finnish, East Asian, European Finnish, and South Asian populations. The p.Lys1139= variant is not expected to have clinical significance because it does not result in a change of amino acid and is not located in a known consensus splice site; 3 of 5 in silico or computational prediction software programs (SpliceSiteFinder, MaxEntScan, NNSPLICE, GeneSplicer, HumanSpliceFinder) predict a greater than 10% difference in splicing. However, this information is not predictive enough to assume pathogenicity. In summary, based on the above information, the clinical significance of this variant cannot be determined with certainty at this time although we would lean towards a more benign role for this variant. This variant is classified as likely benign.

Literature cited by the submitters: PubMed 20104584 (cited by Women's Health and Genetics/Laboratory Corporation of America, LabCorp).